The following is an entry in ClinVar:

ClinVar aggregate classification (germline): Uncertain significance. Review status: criteria provided, multiple submitters, no conflicts (2 of 4 stars). 2 submissions from 2 submitters: Uncertain significance (2). Last evaluated 2026-05-20.

Conditions:
Hereditary cancer-predisposing syndrome. Also called: Tumor predisposition; Neoplastic Syndromes, Hereditary; Hereditary neoplastic syndrome; Hereditary Cancer Syndrome. Identifiers: Orphanet 140162, MedGen C0027672, MeSH D009386, MONDO:0015356.
Familial thoracic aortic aneurysm and aortic dissection (TAAD). Also called: Thoracic aortic aneurysms and dissections. Identifiers: Orphanet 91387, MedGen C4707243, MONDO:0019625.
Juvenile polyposis syndrome (JPS). Identifiers: Orphanet 2929, MedGen C0345893, MONDO:0017380, OMIM 174900.

Submissions (2):

Ambry Genetics
Classification: Uncertain significance for Hereditary cancer-predisposing syndrome; Familial thoracic aortic aneurysm and aortic dissection. Last evaluated: 2026-05-20. Review status: criteria provided, single submitter. Criteria: Ambry Variant Classification Scheme 2023. Collection method: clinical testing. Allele origin: germline.
Comment: The p.C16Y variant (also known as c.47G>A), located in coding exon 1 of the SMAD4 gene, results from a G to A substitution at nucleotide position 47. The cysteine at codon 16 is replaced by tyrosine, an amino acid with highly dissimilar properties. This amino acid position is conserved. In addition, this alteration is predicted to be deleterious by in silico analysis. Since supporting evidence is limited at this time, the clinical significance of this alteration remains unclear.

Labcorp Genetics (formerly Invitae), Labcorp
Classification: Uncertain significance for Juvenile polyposis syndrome. Last evaluated: 2019-01-21. Review status: criteria provided, single submitter. Criteria: Invitae Variant Classification Sherloc (09022015). Collection method: clinical testing. Allele origin: germline.
Comment: This variant has not been reported in the literature in individuals with SMAD4-related conditions. In summary, the available evidence is currently insufficient to determine the role of this variant in disease. Therefore, it has been classified as a Variant of Uncertain Significance. Algorithms developed to predict the effect of missense changes on protein structure and function are either unavailable or do not agree on the potential impact of this missense change (SIFT: "Deleterious"; PolyPhen-2: "Probably Damaging"; Align-GVGD: "Class C15"). This variant is not present in population databases (ExAC no frequency). This sequence change replaces cysteine with tyrosine at codon 16 of the SMAD4 protein (p.Cys16Tyr). The cysteine residue is highly conserved and there is a large physicochemical difference between cysteine and tyrosine.

NM_005359.6(SMAD4):c.47G>A (p.Cys16Tyr)

Gene: SMAD4 (SMAD family member 4; plus strand). Cytogenetic location: 18q21.2.
Variant type: single nucleotide variant.
Coding change: c.47G>A on transcript NM_005359.6 (MANE Select); coding-DNA position 47, G replaced by A.
Protein change: p.Cys16Tyr; replaces cysteine 16 with tyrosine.
Molecular consequence: missense variant.
Genome position (GRCh38, 1-based): chr18:51,047,093, G>A. VCF-style: chr18-51047093-G-A. GRCh37 (hg19) VCF-style: chr18-48573463-G-A.
Other names: short protein forms C16Y.
Identifiers: ClinVar variation 848079 (VCV000848079.11), dbSNP rs1555684993, ClinGen allele CA402457373.